The following is an entry in ClinVar:

ClinVar aggregate classification (germline): Uncertain significance (1 of 4 stars; one submission).

Allele frequency attached by ClinVar (database versions not stated): ExAC 0.00001; gnomAD exomes 0.00001.
gnomAD v4.1: 5 of 1,613,974 alleles (0.00031%); highest among the groups gnomAD compares: Non-Finnish European, 0.00042%; no homozygotes.

Submission:

Ambry Genetics
Classification: Uncertain significance. Last evaluated: 2024-05-18. Review status: criteria provided, single submitter. Criteria: Ambry Variant Classification Scheme 2023. Collection method: clinical testing. Allele origin: germline.
Comment: The p.L1103M variant (also known as c.3307T>A), located in coding exon 16 of the POLQ gene, results from a T to A substitution at nucleotide position 3307. The leucine at codon 1103 is replaced by methionine, an amino acid with highly similar properties. This amino acid position is conserved. In addition, this alteration is predicted to be tolerated by in silico analysis. Since supporting evidence is limited at this time, the clinical significance of this alteration remains unclear.

NM_199420.4(POLQ):c.3307T>A (p.Leu1103Met)

Gene: POLQ (DNA polymerase theta; minus strand). Cytogenetic location: 3q13.33.
Variant type: single nucleotide variant.
Coding change: c.3307T>A on transcript NM_199420.4 (MANE Select); coding-DNA position 3307, T replaced by A.
Protein change: p.Leu1103Met; replaces leucine 1103 with methionine.
Molecular consequence: missense variant.
Genome position (GRCh38, 1-based): chr3:121,489,624, A>T on the plus strand (T>A on the coding strand, the complement: POLQ is on the minus strand). VCF-style: chr3-121489624-A-T. GRCh37 (hg19) VCF-style: chr3-121208471-A-T.
Other names: short protein forms L1103M.
Identifiers: ClinVar variation 1730028 (VCV001730028.3), dbSNP rs201099908, ClinGen allele CA2563079.